The following is an entry in ClinVar:

NM_006231.4(POLE):c.4513C>T (p.Pro1505Ser)

Gene: POLE (DNA polymerase epsilon, catalytic subunit; minus strand). Cytogenetic location: 12q24.33.
Variant type: single nucleotide variant.
Coding change: c.4513C>T on transcript NM_006231.4 (MANE Select); coding-DNA position 4513, C replaced by T.
Protein change: p.Pro1505Ser; replaces proline 1505 with serine.
Molecular consequence: missense variant.
Genome position (GRCh38, 1-based): chr12:132,643,262, G>A on the plus strand (C>T on the coding strand, the complement: POLE is on the minus strand). VCF-style: chr12-132643262-G-A. GRCh37 (hg19) VCF-style: chr12-133219848-G-A.
Other names: c.4513C>T (NM_006231.2); short protein forms P1505S.
Identifiers: ClinVar variation 936772 (VCV000936772.8), dbSNP rs878854873, ClinGen allele CA387380449.

ClinVar aggregate classification (germline): Uncertain significance. Review status: criteria provided, multiple submitters, no conflicts (2 of 4 stars). 2 submissions from 2 submitters: Uncertain significance (2). Last evaluated 2026-02-01.

Conditions:
Hereditary cancer-predisposing syndrome. Also called: Tumor predisposition; Hereditary neoplastic syndrome; Hereditary Cancer Syndrome; Neoplastic Syndromes, Hereditary. Identifiers: Orphanet 140162, MedGen C0027672, MeSH D009386, MONDO:0015356.

Submissions (2):

Labcorp Genetics (formerly Invitae), Labcorp
Classification: Uncertain significance. Last evaluated: 2026-02-01. Review status: criteria provided, single submitter. Criteria: Invitae Variant Classification Sherloc (09022015). Collection method: clinical testing. Allele origin: germline.
Comment: This sequence change replaces proline, which is neutral and non-polar, with serine, which is neutral and polar, at codon 1505 of the POLE protein (p.Pro1505Ser). This variant is not present in population databases (gnomAD no frequency). This variant has not been reported in the literature in individuals affected with POLE-related conditions. ClinVar contains an entry for this variant (Variation ID: 936772). Invitae Evidence Modeling of protein sequence and biophysical properties (such as structural, functional, and spatial information, amino acid conservation, physicochemical variation, residue mobility, and thermodynamic stability) indicates that this missense variant is not expected to disrupt POLE protein function with a negative predictive value of 80%. In summary, the available evidence is currently insufficient to determine the role of this variant in disease. Therefore, it has been classified as a Variant of Uncertain Significance.

Ambry Genetics
Classification: Uncertain significance for Hereditary cancer-predisposing syndrome. Last evaluated: 2024-12-23. Review status: criteria provided, single submitter. Criteria: Ambry Variant Classification Scheme 2023. Collection method: clinical testing. Allele origin: germline.
Comment: The p.P1505S variant (also known as c.4513C>T), located in coding exon 35 of the POLE gene, results from a C to T substitution at nucleotide position 4513. The proline at codon 1505 is replaced by serine, an amino acid with similar properties. This amino acid position is highly conserved in available vertebrate species. In addition, the in silico prediction for this alteration is inconclusive. Based on the available evidence, the clinical significance of this variant remains unclear.